The following is an entry in ClinVar:

ClinVar aggregate classification (germline): Uncertain significance (1 of 4 stars; one submission).

Allele frequency attached by ClinVar (database versions not stated): gnomAD exomes below 0.00001.
gnomAD v4.1: 1 of 1,576,308 alleles (0.000063%); no homozygotes.

Submission:

Labcorp Genetics (formerly Invitae), Labcorp
Classification: Uncertain significance. Last evaluated: 2022-08-06. Review status: criteria provided, single submitter. Criteria: Invitae Variant Classification Sherloc (09022015). Collection method: clinical testing. Allele origin: germline.
Comment: This variant is not present in population databases (gnomAD no frequency). In summary, the available evidence is currently insufficient to determine the role of this variant in disease. Therefore, it has been classified as a Variant of Uncertain Significance. Algorithms developed to predict the effect of missense changes on protein structure and function output the following: SIFT: "Tolerated"; PolyPhen-2: "Benign"; Align-GVGD: "Class C0". The cysteine amino acid residue is found in multiple mammalian species, which suggests that this missense change does not adversely affect protein function. This variant has not been reported in the literature in individuals affected with PPCS-related conditions. This sequence change replaces tryptophan, which is neutral and slightly polar, with cysteine, which is neutral and slightly polar, at codon 19 of the PPCS protein (p.Trp19Cys).

NM_024664.4(PPCS):c.57G>T (p.Trp19Cys)

Genes: CCDC30 (coiled-coil domain containing 30; plus strand), PPCS (phosphopantothenoylcysteine synthetase; plus strand), LOC129930343 (ATAC-STARR-seq lymphoblastoid active region 893; plus strand). Cytogenetic location: 1p34.2.
Variant type: single nucleotide variant.
Coding change: c.57G>T on transcript NM_024664.4 (MANE Select); coding-DNA position 57, G replaced by T.
Protein change: p.Trp19Cys; replaces tryptophan 19 with cysteine.
Molecular consequence: missense variant. On other transcripts: 5 prime UTR variant (3), intron variant (4).
Genome position (GRCh38, 1-based): chr1:42,456,622, G>T. VCF-style: chr1-42456622-G-T. GRCh37 (hg19) VCF-style: chr1-42922293-G-T.
Other names: c.-18G>T (NM_001077447.3); c.-114G>T (NM_001287508.2); c.-636G>T (NM_001287510.2); c.57G>T, p.Trp19Cys (NM_001287511.2); c.-984+123G>T (NM_001355226.2); c.-328+123G>T (NM_001287507.1); c.-12+123G>T (NM_001287506.1); c.-12+39G>T (NM_001287509.2); short protein forms W19C.
Identifiers: ClinVar variation 2022106 (VCV002022106.4), dbSNP rs1643195314, ClinGen allele CA339943575.